The following is an entry in ClinVar:

NM_014795.4(ZEB2):c.592+8T>G

Genes: ZEB2 (zinc finger E-box binding homeobox 2; minus strand), LOC111721705 (skeletal muscle cis-regulatory module overlapping ZEB2; plus strand). Cytogenetic location: 2q22.3.
Variant type: single nucleotide variant.
Coding change: c.592+8T>G on transcript NM_014795.4 (MANE Select); 8 bases into the intron after coding-DNA position 592, T replaced by G.
Molecular consequence: intron variant.
Genome position (GRCh38, 1-based): chr2:144,404,828, A>C on the plus strand (T>G on the coding strand, the complement: ZEB2 is on the minus strand). VCF-style: chr2-144404828-A-C. GRCh37 (hg19) VCF-style: chr2-145162395-A-C.
Other names: c.520+8T>G (NM_001171653.2).
Identifiers: ClinVar variation 4855264 (VCV004855264.1).
Genomic context (GRCh38, chr2:144,404,828, plus strand): 5'-GTAGTGCATTTGTAATTGTAACAGCTGCAGAGGTCAGTGCAGTGGCTAAAAATGATTTAC[A>C]GCCTCACCATTTTCTTCTTGCCCATTGGCCTCTGGCGTGCCAAGGCGAGACAGCTCCTCA-3'

ClinVar aggregate classification (germline): Uncertain significance (1 of 4 stars; one submission).

Conditions:
Mowat-Wilson syndrome (MOWS). Also called: Classic Mowat-Wilson Syndrome. Identifiers: Orphanet 2152, MedGen C1856113, MONDO:0009341, OMIM 235730.

Submission:

3billion
Classification: Uncertain significance for Mowat-Wilson syndrome. Last evaluated: 2025-12-01. Review status: criteria provided, single submitter. Criteria: ACMG Guidelines, 2015. Collection method: clinical testing. Allele origin: germline. Affected: yes.
Comment: The variant is not observed in the gnomAD v4.1.0 dataset. Predicted Consequence/Location: Intron variant In silico tools predict the variant to alter splicing and produce an abnormal transcript [SpliceAI: 0.68 (>=0.2, moderate evidence for spliceogenicity)]. Therefore, this variant is classified as VUS according to the recommendation of ACMG/AMP guideline.